The following is an entry in ClinVar:

NM_003001.5(SDHC):c.358C>G (p.Leu120Val)

Gene: SDHC (succinate dehydrogenase complex subunit C; plus strand). Cytogenetic location: 1q23.3.
Variant type: single nucleotide variant.
Coding change: c.358C>G on transcript NM_003001.5 (MANE Select); coding-DNA position 358, C replaced by G.
Protein change: p.Leu120Val; replaces leucine 120 with valine.
Molecular consequence: missense variant. On other transcripts: non-coding transcript variant (1), intron variant (3).
Genome position (GRCh38, 1-based): chr1:161,356,793, C>G. VCF-style: chr1-161356793-C-G. GRCh37 (hg19) VCF-style: chr1-161326583-C-G.
Other names: c.256C>G, p.Leu86Val (NM_001035512.3); c.199C>G, p.Leu67Val (NM_001035513.3); c.478C>G, p.Leu160Val (NM_001407115.1); c.301C>G, p.Leu101Val (NM_001407116.1); c.295C>G, p.Leu99Val (NM_001407117.1); c.250C>G, p.Leu84Val (NM_001407118.1); c.247C>G, p.Leu83Val (NM_001407119.1, NM_001407120.1); c.242-5536C>G (NM_001035511.3); and 2 more; short protein forms L160V, L83V, L101V, L120V, L86V, L67V, L84V, L99V.
Identifiers: ClinVar variation 1732976 (VCV001732976.3), dbSNP rs1161002093, ClinGen allele CA343456610.
Genomic context (GRCh38, chr1:161,356,793, plus strand): 5'-TTGGAACTTGTGAAGTCCCTGTGTCTGGGGCCAGCACTGATCCACACAGCTAAGTTTGCA[C>G]TTGTCTTCCCTCTCATGTATCATACCTGGAATGGGATCCGACACTTGGTAAGTTAATTCG-3'
Protein context (NP_002992.1, residues 110-130): PALIHTAKFA[Leu120Val]VFPLMYHTWN

ClinVar aggregate classification (germline): Uncertain significance. Review status: criteria provided, multiple submitters, no conflicts (2 of 4 stars). 2 submissions from 2 submitters: Uncertain significance (2). Last evaluated 2024-08-06.

Conditions:
Hereditary cancer-predisposing syndrome. Also called: Neoplastic Syndromes, Hereditary; Tumor predisposition; Hereditary Cancer Syndrome; Hereditary neoplastic syndrome. Identifiers: Orphanet 140162, MedGen C0027672, MeSH D009386, MONDO:0015356.
Hereditary pheochromocytoma and paraganglioma. Also called: Hereditary pheochromocytoma-paraganglioma; Hereditary paragangliomas and pheochromocytomas; Hereditary Paraganglioma-Pheochromocytoma Syndromes. Identifiers: Orphanet 29072, MedGen C4274332, MONDO:0017366.

Submissions (2):

All of Us Research Program, National Institutes of Health
Classification: Uncertain significance for Hereditary pheochromocytoma and paraganglioma. Last evaluated: 2024-08-06. Review status: criteria provided, single submitter. Criteria: ACMG Guidelines, 2015. Collection method: clinical testing. Allele origin: germline. Inheritance: Autosomal dominant inheritance. Observed: 1 variant allele, 1 heterozygote.
Comment: This study involves interpretation of variants in research participants for the purpose of population health screening. Participant phenotype was not available at the time of variant classification. Additional details can be found in publication PMID: 35346344, PMCID: PMC8962531

Ambry Genetics
Classification: Uncertain significance for Hereditary cancer-predisposing syndrome. Last evaluated: 2022-01-13. Review status: criteria provided, single submitter. Criteria: Ambry Variant Classification Scheme 2023. Collection method: clinical testing. Allele origin: germline.
Comment: The p.L120V variant (also known as c.358C>G), located in coding exon 5 of the SDHC gene, results from a C to G substitution at nucleotide position 358. The leucine at codon 120 is replaced by valine, an amino acid with highly similar properties. This amino acid position is highly conserved in available vertebrate species. In addition, the in silico prediction for this alteration is inconclusive. Since supporting evidence is limited at this time, the clinical significance of this alteration remains unclear.